The following is an entry in ClinVar:

NM_018089.3(ANKZF1):c.1107_1108del (p.Glu371fs)

Gene: ANKZF1 (ankyrin repeat and zinc finger peptidyl tRNA hydrolase 1; plus strand). Cytogenetic location: 2q35.
Variant type: Deletion.
Coding change: c.1107_1108del on transcript NM_018089.3 (MANE Select); coding-DNA positions 1107 to 1108, 2 bases deleted (AA; older notation c.1107_1108delAA).
Protein change: p.Glu371fs; shifts the reading frame from glutamic acid 371.
Molecular consequence: frameshift variant.
Genome position (GRCh38, 1-based): chr2:219,234,191-219,234,192, AA deleted. VCF-style (leftmost placement, unchanged base first): chr2-219234190-TAA-T. GRCh37 (hg19) VCF-style: chr2-220098912-TAA-T.
Other names: c.1107_1108del, p.Glu371fs (NM_001042410.2); c.477_478del, p.Glu161fs (NM_001282792.2); short protein forms E161fs, E371fs.
Identifiers: ClinVar variation 1355884 (VCV001355884.6), dbSNP rs750553376, ClinGen allele CA2120970.

ClinVar aggregate classification (germline): Uncertain significance (1 of 4 stars; one submission).

Allele frequency attached by ClinVar (database versions not stated): gnomAD exomes below 0.00001 and 0.00001; TOPMed below 0.00001; ExAC 0.00001.

Submission:

Labcorp Genetics (formerly Invitae), Labcorp
Classification: Uncertain significance. Last evaluated: 2022-11-15. Review status: criteria provided, single submitter. Criteria: Invitae Variant Classification Sherloc (09022015). Collection method: clinical testing. Allele origin: germline.
Comment: In summary, the available evidence is currently insufficient to determine the role of this variant in disease. Therefore, it has been classified as a Variant of Uncertain Significance. Algorithms developed to predict the effect of sequence changes on RNA splicing suggest that this variant may disrupt the consensus splice site. ClinVar contains an entry for this variant (Variation ID: 1355884). This variant has not been reported in the literature in individuals affected with ANKZF1-related conditions. This variant is present in population databases (rs750553376, gnomAD 0.0009%). This sequence change creates a premature translational stop signal (p.Glu371Glyfs*7) in the ANKZF1 gene. It is expected to result in an absent or disrupted protein product. However, the current clinical and genetic evidence is not sufficient to establish whether loss-of-function variants in ANKZF1 cause disease.